The following is an entry in ClinVar:

NM_007294.4(BRCA1):c.262A>C (p.Lys88Gln)

Gene: BRCA1 (BRCA1 DNA repair associated; minus strand). Cytogenetic location: 17q21.31.
Variant type: single nucleotide variant.
Coding change: c.262A>C on transcript NM_007294.4 (MANE Select); coding-DNA position 262, A replaced by C.
Protein change: p.Lys88Gln; replaces lysine 88 with glutamine.
Molecular consequence: missense variant. On other transcripts: non-coding transcript variant (1).
Genome position (GRCh38, 1-based): chr17:43,104,907, T>G on the plus strand (A>C on the coding strand, the complement: BRCA1 is on the minus strand). VCF-style: chr17-43104907-T-G. GRCh37 (hg19) VCF-style: chr17-41256924-T-G.
Other names: c.52A>C, p.Lys18Gln (NM_001407571.1, NM_001407853.1, NM_001407879.1 and 58 more transcripts); c.262A>C, p.Lys88Gln (NM_001407581.1, NM_001407582.1, NM_001407583.1 and 168 more transcripts); c.184A>C, p.Lys62Gln (NM_001407653.1, NM_001407654.1, NM_001407655.1 and 21 more transcripts); c.121A>C, p.Lys41Gln (NM_001407692.1, NM_001407694.1, NM_001407695.1 and 99 more transcripts); c.-120A>C (NM_001407959.1, NM_001407960.1, NM_001407962.1 and 4 more transcripts); c.130A>C, p.Lys44Gln (NM_001408451.1); short protein forms K41Q, K88Q, K18Q, K44Q, K62Q.
Identifiers: ClinVar variation 868325 (VCV000868325.3), dbSNP rs2054682199, ClinGen allele CA10601633.

Conditions:
Breast-ovarian cancer, familial, susceptibility to, 1 (BROVCA1). Also called: BRCA1 Hereditary Breast and Ovarian Cancer; OVARIAN CANCER, SUSCEPTIBILITY TO. Identifiers: Orphanet 145, MedGen C2676676, MONDO:0011450, OMIM 604370. Disease mechanism: loss of function.

Submission:

Brotman Baty Institute, University of Washington
No classification provided (evidence only). Condition: Breast-ovarian cancer, familial 1. Review status: no classification provided. Collection method: in vitro. Allele origin: not applicable. Functional consequence: functionally_normal.
ClinVar note: "not provided" was previously submitted as the classification for the variant. However, the classification appeared to be based only on an observation of functional data so it was converted to no classification on 2025-07-30.